The following is an entry in ClinVar:

NM_015178.3(RHOBTB2):c.1485A>C (p.Ala495=)

Gene: RHOBTB2 (Rho related BTB domain containing 2; plus strand). Cytogenetic location: 8p21.3.
Variant type: single nucleotide variant.
Coding change: c.1485A>C on transcript NM_015178.3 (MANE Select); coding-DNA position 1485, A replaced by C.
Protein change: p.Ala495=; no amino-acid change (alanine 495 retained).
Molecular consequence: synonymous variant.
Genome position (GRCh38, 1-based): chr8:23,007,730, A>C. VCF-style: chr8-23007730-A-C. GRCh37 (hg19) VCF-style: chr8-22865243-A-C.
Other names: c.1551A>C, p.Ala517= (NM_001160036.2); c.1506A>C, p.Ala502= (NM_001160037.2); c.1485A>C, p.Ala495= (NM_001374791.1).
Identifiers: ClinVar variation 4873338 (VCV004873338.2).

ClinVar aggregate classification (germline): Likely benign (1 of 4 stars; one submission).

gnomAD v4.1: 1 of 1,613,476 alleles (0.000062%); highest among the groups gnomAD compares: Non-Finnish European, 0.000085%; no homozygotes.

Submission:

CeGaT Center for Human Genetics Tuebingen
Classification: Likely benign. Last evaluated: 2026-05-01. Review status: criteria provided, single submitter. Criteria: CeGaT Center For Human Genetics Tuebingen Variant Classification Criteria Version 2. Collection method: clinical testing. Allele origin: germline. Affected: yes. Observed: 1 variant allele.
Comment: RHOBTB2: BP4, BP7